The following is an entry in ClinVar:

Conditions:
Breast-ovarian cancer, familial, susceptibility to, 1 (BROVCA1). Also called: BRCA1 Hereditary Breast and Ovarian Cancer; OVARIAN CANCER, SUSCEPTIBILITY TO. Identifiers: Orphanet 145, MedGen C2676676, MONDO:0011450, OMIM 604370. Disease mechanism: loss of function.

Submission:

Brotman Baty Institute, University of Washington
No classification provided (evidence only). Condition: Breast-ovarian cancer, familial 1. Review status: no classification provided. Collection method: in vitro. Allele origin: not applicable. Functional consequence: functionally_abnormal.
ClinVar note: "not provided" was previously submitted as the classification for the variant. However, the classification appeared to be based only on an observation of functional data so it was converted to no classification on 2025-07-30.

NM_007294.4(BRCA1):c.212+3A>C

Gene: BRCA1 (BRCA1 DNA repair associated; minus strand). Cytogenetic location: 17q21.31.
Variant type: single nucleotide variant.
Coding change: c.212+3A>C on transcript NM_007294.4 (MANE Select); 3 bases into the intron after coding-DNA position 212, A replaced by C.
Molecular consequence: intron variant.
Genome position (GRCh38, 1-based): chr17:43,106,453, T>G on the plus strand (A>C on the coding strand, the complement: BRCA1 is on the minus strand). VCF-style: chr17-43106453-T-G. GRCh37 (hg19) VCF-style: chr17-41258470-T-G.
Other names: c.135-1497A>C (NM_001407663.1, NM_001407658.1, NM_001407653.1 and 21 more transcripts); c.2+25A>C (NM_001407958.1, NM_001407955.1, NM_001408493.1 and 58 more transcripts); c.212+3A>C (NM_001407646.1, NM_001408445.1, NM_001408432.1 and 167 more transcripts); c.-169-1497A>C (NM_001407965.1, NM_001407959.1, NM_001407962.1 and 4 more transcripts); c.71+3A>C (NM_001407930.1, NM_001407843.1, NM_001408456.1 and 99 more transcripts); c.-218-11593A>C (NM_001407967.1, NM_001407966.1); c.81-1497A>C (NM_001408451.1).
Identifiers: ClinVar variation 865266 (VCV000865266.3), dbSNP rs80358083, ClinGen allele CA916080880.